The following is an entry in ClinVar:

NM_001376.5(DYNC1H1):c.9286G>A (p.Asp3096Asn)

Genes: DYNC1H1 (dynein cytoplasmic 1 heavy chain 1; plus strand), LOC126862060 (BRD4-independent group 4 enhancer GRCh37_chr14:102493659-102494858; plus strand). Cytogenetic location: 14q32.31.
Variant type: single nucleotide variant.
Coding change: c.9286G>A on transcript NM_001376.5 (MANE Select); coding-DNA position 9286, G replaced by A.
Protein change: p.Asp3096Asn; replaces aspartic acid 3096 with asparagine.
Molecular consequence: missense variant.
Genome position (GRCh38, 1-based): chr14:102,027,959, G>A. VCF-style: chr14-102027959-G-A. GRCh37 (hg19) VCF-style: chr14-102494296-G-A.
Other names: short protein forms D3096N.
Identifiers: ClinVar variation 1878654 (VCV001878654.1), dbSNP rs2503805793, ClinGen allele CA391013200.

ClinVar aggregate classification (germline): Uncertain significance (1 of 4 stars; one submission).

Conditions:
Cortical dysplasia, complex, with other brain malformations 13. Also called: Intellectual disability, autosomal dominant 13. Identifiers: MedGen C3281202, MONDO:0013805, OMIM 614563.

Submission:

Neuberg Centre For Genomic Medicine, NCGM
Classification: Uncertain significance for Cortical dysplasia, complex, with other brain malformations 13. Review status: criteria provided, single submitter. Criteria: ACMG Guidelines, 2015. Collection method: clinical testing. Allele origin: germline. Affected: yes.
Comment: The missense variant p.D3096N in DYNC1H1 (NM_001376.5) has not been reported previously as a pathogenic variant nor as a benign variant, to our knowledge. The p.D3096N variant is novel (not in any individuals) in gnomAD Exomes and is novel (not in any individuals) in 1000 Genomes. In silico tools suggest a damaging effect and the residue is conserved across species. For these reasons, this variant has been classified as Uncertain Significance.